The following is an entry in ClinVar:

ClinVar aggregate classification (germline): Uncertain significance. Review status: criteria provided, multiple submitters, no conflicts (2 of 4 stars). 4 submissions from 4 submitters: Uncertain significance (4). Last evaluated 2025-06-24.

Conditions:
Hereditary nonpolyposis colorectal neoplasms. Identifiers: MedGen C0009405, MeSH D003123.
Hereditary cancer-predisposing syndrome. Also called: Tumor predisposition; Hereditary Cancer Syndrome; Hereditary neoplastic syndrome; Neoplastic Syndromes, Hereditary. Identifiers: Orphanet 140162, MedGen C0027672, MeSH D009386, MONDO:0015356.

Submissions (4):

Color Diagnostics, LLC DBA Color Health
Classification: Uncertain significance for Hereditary cancer-predisposing syndrome. Last evaluated: 2025-06-24. Review status: criteria provided, single submitter. Criteria: ACMG Guidelines, 2015. Collection method: clinical testing. Allele origin: germline.
Comment: This missense variant replaces serine with asparagine at codon 5 of the MSH6 protein. Computational prediction suggests that this variant may not impact protein structure and function. To our knowledge, functional studies have not been reported for this variant. This variant has not been reported in individuals affected with MSH6-related disorders in the literature. This variant has not been identified in the general population by the Genome Aggregation Database (gnomAD). The available evidence is insufficient to determine the role of this variant in disease conclusively. Therefore, this variant is classified as a Variant of Uncertain Significance.

Quest Diagnostics Nichols Institute San Juan Capistrano
Classification: Uncertain significance. Last evaluated: 2025-06-13. Review status: criteria provided, single submitter. Criteria: Quest Diagnostics criteria. Collection method: clinical testing. Allele origin: unknown.
Comment: The MSH6 c.14G>A (p.Ser5Asn) variant has been reported in the published literature in an individual with colorectal cancer (PMID: 34271781 (2021)). This variant has not been reported in large, multi-ethnic general populations (Genome Aggregation Database). Analysis of this variant using bioinformatics tools for the prediction of the effect of amino acid changes on protein structure and function yielded predictions that this variant is benign. Based on the available information, we are unable to determine the clinical significance of this variant.

Labcorp Genetics (formerly Invitae), Labcorp
Classification: Uncertain significance for Hereditary nonpolyposis colorectal neoplasms. Last evaluated: 2025-05-21. Review status: criteria provided, single submitter. Criteria: Invitae Variant Classification Sherloc (09022015). Collection method: clinical testing. Allele origin: germline.
Comment: This sequence change replaces serine, which is neutral and polar, with asparagine, which is neutral and polar, at codon 5 of the MSH6 protein (p.Ser5Asn). This variant is not present in population databases (gnomAD no frequency). This variant has not been reported in the literature in individuals affected with MSH6-related conditions. ClinVar contains an entry for this variant (Variation ID: 485852). Invitae Evidence Modeling of protein sequence and biophysical properties (such as structural, functional, and spatial information, amino acid conservation, physicochemical variation, residue mobility, and thermodynamic stability) indicates that this missense variant is not expected to disrupt MSH6 protein function with a negative predictive value of 95%. In summary, the available evidence is currently insufficient to determine the role of this variant in disease. Therefore, it has been classified as a Variant of Uncertain Significance.

Ambry Genetics
Classification: Uncertain significance for Hereditary cancer-predisposing syndrome. Last evaluated: 2023-02-15. Review status: criteria provided, single submitter. Criteria: Ambry Variant Classification Scheme 2023. Collection method: clinical testing. Allele origin: germline.
Comment: The p.S5N variant (also known as c.14G>A), located in coding exon 1 of the MSH6 gene, results from a G to A substitution at nucleotide position 14. The serine at codon 5 is replaced by asparagine, an amino acid with highly similar properties. This amino acid position is well conserved in available vertebrate species. In addition, this alteration is predicted to be tolerated by in silico analysis. Since supporting evidence is limited at this time, the clinical significance of this alteration remains unclear.

Literature cited by the submitters: PubMed 34271781 (cited by Quest Diagnostics Nichols Institute San Juan Capistrano and Ambry Genetics).

NM_000179.3(MSH6):c.14G>A (p.Ser5Asn)

Gene: MSH6 (mutS homolog 6; plus strand). Cytogenetic location: 2p16.3.
Variant type: single nucleotide variant.
Coding change: c.14G>A on transcript NM_000179.3 (MANE Select); coding-DNA position 14, G replaced by A.
Protein change: p.Ser5Asn; replaces serine 5 with asparagine.
Molecular consequence: missense variant. On other transcripts: 5 prime UTR variant (1).
Genome position (GRCh38, 1-based): chr2:47,783,247, G>A. VCF-style: chr2-47783247-G-A. GRCh37 (hg19) VCF-style: chr2-48010386-G-A.
Other names: c.14G>A, p.Ser5Asn (NM_001281492.2); c.-723G>A (NM_001281493.2); short protein forms S5N.
Identifiers: ClinVar variation 485852 (VCV000485852.18), dbSNP rs532585602, ClinGen allele CA346734484.